The following is an entry in ClinVar:

ClinVar aggregate classification (germline): Conflicting classifications of pathogenicity. Review status: criteria provided, conflicting classifications (1 of 4 stars). 5 submissions from 5 submitters: Uncertain significance (4); Likely benign (1). Last evaluated 2025-08-20.

Conditions:
MYH11-related disorder. Also called: MYH11-related condition.
Aortic aneurysm, familial thoracic 4 (AAT4). Also called: AORTIC ANEURYSM/AORTIC DISSECTION AND PATENT DUCTUS ARTERIOSUS. Identifiers: MedGen C1851504, MONDO:0007568, OMIM 132900.
Familial thoracic aortic aneurysm and aortic dissection (TAAD). Also called: Thoracic aortic aneurysms and dissections. Identifiers: Orphanet 91387, MedGen C4707243, MONDO:0019625.

Allele frequency attached by ClinVar (database versions not stated): gnomAD 0.00001 and 0.00002; gnomAD exomes 0.00002; TOPMed 0.00002; ExAC 0.00004.
gnomAD v4.1: 26 of 1,614,018 alleles (0.0016%); highest among the groups gnomAD compares: East Asian, 0.058%; 1 homozygote.

Submissions (5):

Color Diagnostics, LLC DBA Color Health
Classification: Likely benign for Familial thoracic aortic aneurysm and aortic dissection. Last evaluated: 2025-08-20. Review status: criteria provided, single submitter. Criteria: ACMG Guidelines, 2015. Collection method: clinical testing. Allele origin: germline.

Labcorp Genetics (formerly Invitae), Labcorp
Classification: Uncertain significance for Aortic aneurysm, familial thoracic 4. Last evaluated: 2025-06-22. Review status: criteria provided, single submitter. Criteria: Invitae Variant Classification Sherloc (09022015). Collection method: clinical testing. Allele origin: germline.
Comment: This sequence change replaces glutamine, which is neutral and polar, with histidine, which is basic and polar, at codon 1658 of the MYH11 protein (p.Gln1658His). This variant also falls at the last nucleotide of exon 35, which is part of the consensus splice site for this exon. This variant is present in population databases (rs756832190, gnomAD 0.04%). This variant has not been reported in the literature in individuals affected with MYH11-related conditions. ClinVar contains an entry for this variant (Variation ID: 630540). An algorithm developed to predict the effect of missense changes on protein structure and function (PolyPhen-2) suggests that this variant is likely to be disruptive. Variants that disrupt the consensus splice site are a relatively common cause of aberrant splicing (PMID: 17576681, 9536098). In summary, the available evidence is currently insufficient to determine the role of this variant in disease. Therefore, it has been classified as a Variant of Uncertain Significance.

All of Us Research Program, National Institutes of Health
Classification: Uncertain significance for Familial thoracic aortic aneurysm and aortic dissection. Last evaluated: 2024-09-23. Review status: criteria provided, single submitter. Criteria: ACMG Guidelines, 2015. Collection method: clinical testing. Allele origin: germline. Inheritance: Autosomal dominant inheritance. Observed: 4 variant alleles, 4 heterozygotes.
Comment: This missense variant replaces glutamine with histidine at codon 1658 of the MYH11 protein. Computational prediction is inconclusive regarding the impact of this variant on protein structure and function (internally defined REVEL score threshold 0.5 < inconclusive < 0.7, PMID: 27666373). Splice site prediction tools suggest that this variant may impact RNA splicing. To our knowledge, functional studies have not been reported for this variant. This variant has not been reported in individuals affected with MYH11-related disorders in the literature. This variant has been identified in 6/250978 chromosomes in the general population by the Genome Aggregation Database (gnomAD). The available evidence is insufficient to determine the role of this variant in disease conclusively. Therefore, this variant is classified as a Variant of Uncertain Significance.

This study involves interpretation of variants in research participants for the purpose of population health screening. Participant phenotype was not available at the time of variant classification. Additional details can be found in publication PMID: 35346344, PMCID: PMC8962531

PreventionGenetics, part of Exact Sciences
Classification: Uncertain significance for MYH11-related condition. Last evaluated: 2023-09-23. Review status: criteria provided, single submitter. Criteria: ACMG Guidelines, 2015. Collection method: clinical testing. Allele origin: germline.
Comment: The MYH11 c.4974G>C variant is predicted to result in the amino acid substitution p.Gln1658His. This variant is located at the last nucleotide of exon 35 and is predicted to alter splicing based on available splicing prediction programs (Alamut Visual Plus v1.6.1). However, the use of computer prediction programs is not equivalent to functional evidence. To our knowledge, this variant has not been reported in the literature. This variant is reported in 0.033% of alleles in individuals of East Asian descent in gnomAD. At this time, the clinical significance of this variant is uncertain due to the absence of conclusive functional and genetic evidence.

Illumina Laboratory Services, Illumina
Classification: Uncertain significance for Aortic aneurysm, familial thoracic 4. Last evaluated: 2018-01-12. Review status: criteria provided, single submitter. Criteria: ICSL Variant Classification Criteria 13 December 2019. Collection method: clinical testing. Allele origin: germline.

Literature cited by the submitters: PubMed 17576681 (cited by Labcorp Genetics (formerly Invitae), Labcorp); PubMed 9536098 (cited by Labcorp Genetics (formerly Invitae), Labcorp).

NM_002474.3(MYH11):c.4953G>C (p.Gln1651His)

Genes: MYH11 (myosin heavy chain 11; minus strand), NDE1 (nudE neurodevelopment protein 1; plus strand). Cytogenetic location: 16p13.11.
Variant type: single nucleotide variant.
Coding change: c.4953G>C on transcript NM_002474.3 (MANE Select); coding-DNA position 4953, G replaced by C.
Protein change: p.Gln1651His; replaces glutamine 1651 with histidine.
Molecular consequence: missense variant. On other transcripts: intron variant (2).
Genome position (GRCh38, 1-based): chr16:15,720,151, C>G on the plus strand (G>C on the coding strand, the complement: MYH11 is on the minus strand). VCF-style: chr16-15720151-C-G. GRCh37 (hg19) VCF-style: chr16-15814008-C-G.
Other names: c.4974G>C, p.Gln1658His (NM_001040113.2, NM_001040114.2); c.4953G>C, p.Gln1651His (NM_022844.3); c.948-4040C>G (NM_001143979.2, NM_017668.3); short protein forms Q1651H, Q1658H.
Identifiers: ClinVar variation 630540 (VCV000630540.19), dbSNP rs756832190, ClinGen allele CA7921503.